The following is an entry in ClinVar:

NM_002857.4(PEX19):c.430C>T (p.Gln144Ter)

Gene: PEX19 (peroxisomal biogenesis factor 19; minus strand). Cytogenetic location: 1q23.2.
Variant type: single nucleotide variant.
Coding change: c.430C>T on transcript NM_002857.4 (MANE Select); coding-DNA position 430, C replaced by T.
Protein change: p.Gln144Ter; replaces glutamine 144 with a stop codon.
Molecular consequence: nonsense. On other transcripts: non-coding transcript variant (1).
Genome position (GRCh38, 1-based): chr1:160,282,419, G>A on the plus strand (C>T on the coding strand, the complement: PEX19 is on the minus strand). VCF-style: chr1-160282419-G-A. GRCh37 (hg19) VCF-style: chr1-160252209-G-A.
Other names: c.430C>T, p.Gln144Ter (NM_001193644.1); short protein forms Q144*.
Identifiers: ClinVar variation 4774519 (VCV004774519.1).
Genomic context (GRCh38, chr1:160,282,419, plus strand): 5'-CTGCTGGAGAAATGTCTGGGAGTGGACCCCTTGTGGGCCCCTACTACTTTCTCCTCACCT[G>A]AAGGTCAGTGGCATTTTTGGCTAATCCACTTAGTGTTTCCTTTAGGCAAGAAGTGAATTC-3'

ClinVar aggregate classification (germline): Pathogenic (1 of 4 stars; one submission).

Conditions:
Peroxisome biogenesis disorder 12A (Zellweger). Also called: Peroxisome biogenesis disorder 12A. Identifiers: Orphanet 912, MedGen C3554002, MONDO:0013951, OMIM 614886.

gnomAD v4.1: 2 of 1,612,730 alleles (0.00012%); highest among the groups gnomAD compares: Non-Finnish European, 0.00017%; no homozygotes.

Submission:

Labcorp Genetics (formerly Invitae), Labcorp
Classification: Pathogenic for Peroxisome biogenesis disorder 12A (Zellweger). Last evaluated: 2025-09-29. Review status: criteria provided, single submitter. Criteria: Invitae Variant Classification Sherloc (09022015). Collection method: clinical testing. Allele origin: germline.
Comment: This sequence change creates a premature translational stop signal (p.Gln144*) in the PEX19 gene. It is expected to result in an absent or disrupted protein product. Loss-of-function variants in PEX19 are known to be pathogenic (PMID: 10051604, 20683989, 21031596). This variant is not present in population databases (gnomAD no frequency). This variant has not been reported in the literature in individuals affected with PEX19-related conditions. Algorithms developed to predict the effect of sequence changes on RNA splicing suggest that this variant may disrupt the consensus splice site. For these reasons, this variant has been classified as Pathogenic.

Literature cited by the submitters: PubMed 10051604; PubMed 20683989; PubMed 21031596.